The following is an entry in ClinVar:

NM_199420.4(POLQ):c.7130A>G (p.Asp2377Gly)

Gene: POLQ (DNA polymerase theta; minus strand). Cytogenetic location: 3q13.33.
Variant type: single nucleotide variant.
Coding change: c.7130A>G on transcript NM_199420.4 (MANE Select); coding-DNA position 7130, A replaced by G.
Protein change: p.Asp2377Gly; replaces aspartic acid 2377 with glycine.
Molecular consequence: missense variant.
Genome position (GRCh38, 1-based): chr3:121,460,072, T>C on the plus strand (A>G on the coding strand, the complement: POLQ is on the minus strand). VCF-style: chr3-121460072-T-C. GRCh37 (hg19) VCF-style: chr3-121178919-T-C.
Other names: short protein forms D2377G.
Identifiers: ClinVar variation 2563864 (VCV002563864.2), dbSNP rs2546764508, ClinGen allele CA354106742.

ClinVar aggregate classification (germline): Uncertain significance (1 of 4 stars; one submission).

gnomAD v4.1: 1 of 1,614,000 alleles (0.000062%); highest among the groups gnomAD compares: Non-Finnish European, 0.000085%; no homozygotes.

Submission:

Ambry Genetics
Classification: Uncertain significance. Last evaluated: 2023-05-25. Review status: criteria provided, single submitter. Criteria: Ambry Variant Classification Scheme 2023. Collection method: clinical testing. Allele origin: germline.
Comment: The p.D2377G variant (also known as c.7130A>G), located in coding exon 25 of the POLQ gene, results from an A to G substitution at nucleotide position 7130. The aspartic acid at codon 2377 is replaced by glycine, an amino acid with similar properties. This amino acid position is conserved. In addition, the in silico prediction for this alteration is inconclusive. Since supporting evidence is limited at this time, the clinical significance of this alteration remains unclear.